The following is an entry in ClinVar:

ClinVar aggregate classification (germline): Uncertain significance (1 of 4 stars; one submission).

Submission:

Ambry Genetics
Classification: Uncertain significance. Last evaluated: 2023-08-02. Review status: criteria provided, single submitter. Criteria: Ambry Variant Classification Scheme 2023. Collection method: clinical testing. Allele origin: germline.
Comment: The p.P569A variant (also known as c.1705C>G), located in coding exon 17 of the KIF1B gene, results from a C to G substitution at nucleotide position 1705. The proline at codon 569 is replaced by alanine, an amino acid with highly similar properties. This amino acid position is conserved. In addition, this alteration is predicted to be tolerated by in silico analysis. Since supporting evidence is limited at this time, the clinical significance of this alteration remains unclear.

NM_001365951.3(KIF1B):c.1843C>G (p.Pro615Ala)

Gene: KIF1B (kinesin family member 1B; plus strand). Cytogenetic location: 1p36.22.
Variant type: single nucleotide variant.
Coding change: c.1843C>G on transcript NM_001365951.3 (MANE Select); coding-DNA position 1843, C replaced by G.
Protein change: p.Pro615Ala; replaces proline 615 with alanine.
Molecular consequence: missense variant.
Genome position (GRCh38, 1-based): chr1:10,296,647, C>G. VCF-style: chr1-10296647-C-G. GRCh37 (hg19) VCF-style: chr1-10356705-C-G.
Other names: c.1843C>G, p.Pro615Ala (NM_001365952.1); c.1705C>G, p.Pro569Ala (NM_001365953.1, NM_015074.3, NM_183416.4); short protein forms P615A, P569A.
Identifiers: ClinVar variation 2410408 (VCV002410408.2), dbSNP rs2521398032, ClinGen allele CA338316081.